The following is an entry in ClinVar:

NM_005618.4(DLL1):c.2167-3dup

Genes: DLL1 (delta like canonical Notch ligand 1; minus strand), LOC126859913 (P300/CBP strongly-dependent group 1 enhancer GRCh37_chr6:170591232-170592431; plus strand). Cytogenetic location: 6q27.
Variant type: Duplication.
Coding change: c.2167-3dup on transcript NM_005618.4 (MANE Select); 3 bases into the intron before coding-DNA position 2167, one base duplicated (C; older notation c.2167-3dupC).
Molecular consequence: intron variant.
Genome position (GRCh38, 1-based): chr6:170,282,882, G duplicated on the plus strand (C on the coding strand, the reverse complement: DLL1 is on the minus strand); the first of 6 consecutive G bases (chr6:170,282,882-170,282,887); duplicating any one gives the same sequence. VCF-style (leftmost placement, unchanged base first): chr6-170282881-T-TG. GRCh37 (hg19) VCF-style: chr6-170591969-T-TG.
Other names: c.2167-3dupC (NM_005618.3).
Identifiers: ClinVar variation 3617976 (VCV003617976.3).

ClinVar aggregate classification (germline): Benign/Likely benign. Review status: criteria provided, multiple submitters, no conflicts (2 of 4 stars). 2 submissions from 2 submitters: Benign (1); Likely benign (1). Last evaluated 2026-02-25.

Conditions:
DLL1-related disorder. Also called: DLL1-related condition.

Submissions (2):

PreventionGenetics, part of Exact Sciences
Classification: Likely benign for DLL1-related condition. Last evaluated: 2026-02-25. Review status: criteria provided, single submitter. Criteria: ACMG Guidelines, 2015. Collection method: clinical testing. Allele origin: germline.
Comment: This variant is classified as likely benign based on ACMG/AMP sequence variant interpretation guidelines (Richards et al. 2015 PMID: 25741868, with internal and published modifications).

Labcorp Genetics (formerly Invitae), Labcorp
Classification: Benign. Last evaluated: 2025-01-20. Review status: criteria provided, single submitter. Criteria: Invitae Variant Classification Sherloc (09022015). Collection method: clinical testing. Allele origin: germline.